The following is an entry in ClinVar:

NM_006947.4(SRP72):c.1856_1857del (p.Val619fs)

Gene: SRP72 (signal recognition particle 72; plus strand). Cytogenetic location: 4q12.
Variant type: Microsatellite.
Coding change: c.1856_1857del on transcript NM_006947.4 (MANE Select); coding-DNA positions 1856 to 1857, 2 bases deleted (TG; older notation c.1856_1857delTG).
Protein change: p.Val619fs; shifts the reading frame from valine 619.
Molecular consequence: frameshift variant. On other transcripts: non-coding transcript variant (1).
Genome position (GRCh38, 1-based): chr4:56,501,701-56,501,702, TG deleted; deleting any 2 consecutive bases within chr4:56,501,699-56,501,702 gives the same sequence; the c. name uses the placement nearest the transcript's 3' end. VCF-style (leftmost placement, unchanged base first): chr4-56501698-CTG-C. GRCh37 (hg19) VCF-style: chr4-57367864-CTG-C.
Other names: c.1673_1674del, p.Val558fs (NM_001267722.2); short protein forms V558fs, V619fs.
Identifiers: ClinVar variation 3717198 (VCV003717198.2).
Genomic context (GRCh38, chr4:56,501,698, plus strand): 5'-CCTTCGTTGAATATATGAGTGACCAAAAATGATCTGATGATTTCAGGGATGCCAGTAAAA[CTG>C]TGAGCAGCCCACCCACCTCCCCAAGACCTGGCAGTGCTGCAACAGTATCTGCCTCTACAA-3'

ClinVar aggregate classification (germline): Uncertain significance (1 of 4 stars; one submission).

Submission:

Labcorp Genetics (formerly Invitae), Labcorp
Classification: Uncertain significance. Last evaluated: 2025-05-12. Review status: criteria provided, single submitter. Criteria: Invitae Variant Classification Sherloc (09022015). Collection method: clinical testing. Allele origin: germline.
Comment: This sequence change creates a premature translational stop signal (p.Val619Glufs*21) in the SRP72 gene. While this is not anticipated to result in nonsense mediated decay, it is expected to disrupt the last 53 amino acid(s) of the SRP72 protein. This variant is present in population databases (no rsID available, gnomAD 0.007%). This variant has not been reported in the literature in individuals affected with SRP72-related conditions. Experimental studies and prediction algorithms are not available or were not evaluated, and the functional significance of this variant is currently unknown. In summary, the available evidence is currently insufficient to determine the role of this variant in disease. Therefore, it has been classified as a Variant of Uncertain Significance.